The following is an entry in ClinVar:

NM_000059.4(BRCA2):c.2627A>C (p.Asn876Thr)

Gene: BRCA2 (BRCA2 DNA repair associated; plus strand). Cytogenetic location: 13q13.1.
Variant type: single nucleotide variant.
Coding change: c.2627A>C on transcript NM_000059.4 (MANE Select); coding-DNA position 2627, A replaced by C.
Protein change: p.Asn876Thr; replaces asparagine 876 with threonine.
Molecular consequence: missense variant. On other transcripts: non-coding transcript variant (1), intron variant (2).
Genome position (GRCh38, 1-based): chr13:32,336,982, A>C. VCF-style: chr13-32336982-A-C. GRCh37 (hg19) VCF-style: chr13-32911119-A-C.
Other names: c.2627A>C, p.Asn876Thr (NM_001406719.1, NM_001406720.1, NM_001432077.1); c.1909+3595A>C (NM_001406721.1); c.424+5952A>C (NM_001406722.1); short protein forms N876T.
Identifiers: ClinVar variation 4856498 (VCV004856498.2).

ClinVar aggregate classification (germline): Conflicting classifications of pathogenicity. Review status: criteria provided, conflicting classifications (1 of 4 stars). 2 submissions from 2 submitters: Uncertain significance (1); Likely benign (1). Last evaluated 2026-05-01.

Conditions:
Hereditary cancer-predisposing syndrome. Also called: Neoplastic Syndromes, Hereditary; Tumor predisposition; Hereditary neoplastic syndrome; Hereditary Cancer Syndrome. Identifiers: Orphanet 140162, MedGen C0027672, MeSH D009386, MONDO:0015356.
Breast-ovarian cancer, familial, susceptibility to, 2 (BROVCA2). Also called: BRCA2 Hereditary Breast and Ovarian Cancer. Identifiers: Orphanet 145, MedGen C2675520, MONDO:0012933, OMIM 612555. Disease mechanism: loss of function.

gnomAD v4.1: 1 of 1,588,334 alleles (0.000063%); highest among the groups gnomAD compares: Non-Finnish European, 0.000085%; no homozygotes.

Submissions (2):

Cancer Bioinformatics and Tumour Evolution Laboratory, Monash University
Classification: Likely benign for Breast-ovarian cancer, familial, susceptibility to, 2. Last evaluated: 2026-05-01. Review status: criteria provided, single submitter. Criteria: ClinGen BRCA1 and BRCA2 Guidelines, 2024. Collection method: curation. Allele origin: germline. Inheritance: Autosomal dominant inheritance.
Comment: Missense variant outside of a functional domain with no splice impact. BRCA1 and BRCA2 VCEP guidelines recommend application of BP1_Strong (PMID: 39142283)

Ambry Genetics
Classification: Uncertain significance for Hereditary cancer-predisposing syndrome. Last evaluated: 2026-04-02. Review status: criteria provided, single submitter. Criteria: Ambry Variant Classification Scheme 2023. Collection method: clinical testing. Allele origin: germline.
Comment: The p.N876T variant (also known as c.2627A>C), located in coding exon 10 of the BRCA2 gene, results from an A to C substitution at nucleotide position 2627. The asparagine at codon 876 is replaced by threonine, an amino acid with similar properties. This amino acid position is conserved. In addition, this alteration is predicted to be tolerated by in silico analysis. Based on the available evidence, the clinical significance of this variant remains unclear.